The following is an entry in ClinVar:

NM_001267550.2(TTN):c.50083C>T (p.Arg16695Ter)

Genes: TTN (titin; minus strand), TTN-AS1 (TTN antisense RNA 1; plus strand). Cytogenetic location: 2q31.2.
Variant type: single nucleotide variant.
Coding change: c.50083C>T on transcript NM_001267550.2 (MANE Select); coding-DNA position 50083, C replaced by T.
Protein change: p.Arg16695Ter; replaces arginine 16695 with a stop codon.
Molecular consequence: nonsense.
Genome position (GRCh38, 1-based): chr2:178,612,442, G>A on the plus strand (C>T on the coding strand, the complement: TTN is on the minus strand). VCF-style: chr2-178612442-G-A. GRCh37 (hg19) VCF-style: chr2-179477169-G-A.
Other names: p.R15054*:CGA>TGA; c.45160C>T, p.Arg15054Ter (NM_001256850.1); c.22888C>T, p.Arg7630Ter (NM_003319.4); c.42379C>T, p.Arg14127Ter (NM_133378.4); c.23263C>T, p.Arg7755Ter (NM_133432.3); c.23464C>T, p.Arg7822Ter (NM_133437.4); short protein forms R15054*, R16695*, R7630*, R14127*, R7755*, R7822*.
Identifiers: ClinVar variation 202377 (VCV000202377.26), dbSNP rs751502842, ClinGen allele CA309238.
Genomic context (GRCh38, chr2:178,612,442, plus strand): 5'-GTGGGGTGACTGTGCACTTGGTGTCCTTGACAGTGGTATCCACTGTTTGCCAGCCTTTTC[G>A]CCTGACGTCTCTCTTTTCCACAATGTAGTTGGTGATGGGGGACCCTCCATCTTTCTCAGG-3'

ClinVar aggregate classification (germline): Pathogenic. Review status: criteria provided, multiple submitters, no conflicts (2 of 4 stars). 11 submissions from 11 submitters: Pathogenic (9). 2 of the submissions do not count toward it. Last evaluated 2026-04-01.

Conditions:
Cardiovascular phenotype. Identifiers: MedGen CN230736.
TTN-related disorder. Also called: TTN-related condition; TTN-related disease; TTN-related disorders.
Autosomal recessive limb-girdle muscular dystrophy type 2J (LGMDR10). Also called: MUSCULAR DYSTROPHY, LIMB-GIRDLE, AUTOSOMAL RECESSIVE 10; Limb-girdle muscular dystrophy, type 2J. Identifiers: Orphanet 140922, MedGen C1837342, MONDO:0012127, OMIM 608807.
Dilated cardiomyopathy 1G (CMD1G). Identifiers: Orphanet 154, MedGen C1858763, MONDO:0011400, OMIM 604145.
Cardiomyopathy (CMYO). Also called: Cardiomyopathies. Identifiers: Orphanet 167848, MedGen C0878544, MONDO:0004994, HP:0001638. Inheritance: Various modes of inheritance.
Tibial muscular dystrophy (TMD). Also called: Tibial muscular dystrophy, tardive; Udd Distal Myopathy – Tibial Muscular Dystrophy; UDD MYOPATHY. Identifiers: Orphanet 609, MedGen C1838244, MONDO:0010870, OMIM 600334.

gnomAD v4.1: 3 of 1,612,394 alleles (0.00019%); highest among the groups gnomAD compares: Non-Finnish European, 0.00017%; no homozygotes.

Submissions (11):

Institute of Human Genetics, University of Leipzig Medical Center
Classification: Pathogenic for Dilated cardiomyopathy 1G. Last evaluated: 2026-04-01. Review status: criteria provided, single submitter. Criteria: ACMG Guidelines, 2015. Collection method: clinical testing. Allele origin: unknown. Inheritance: Autosomal dominant inheritance. Affected: yes.
Comment: Criteria applied: PVS1,PS4,PM2_SUP

Labcorp Genetics (formerly Invitae), Labcorp
Classification: Pathogenic for Dilated cardiomyopathy 1G; Autosomal recessive limb-girdle muscular dystrophy type 2J. Last evaluated: 2025-08-15. Review status: criteria provided, single submitter. Criteria: Invitae Variant Classification Sherloc (09022015). Collection method: clinical testing. Allele origin: germline.
Comment: This sequence change creates a premature translational stop signal (p.Arg16695*) in the TTN gene. While this is not anticipated to result in nonsense mediated decay, it is expected to create a truncated TTN protein. This variant is not present in population databases (gnomAD no frequency). This premature translational stop signal has been observed in individuals with dilated cardiomyopathy (PMID: 25163546; internal data). ClinVar contains an entry for this variant (Variation ID: 202377). Algorithms developed to predict the effect of sequence changes on RNA splicing suggest that this variant may create or strengthen a splice site. This variant is located in the A band of TTN (PMID: 25589632). Truncating variants in this region are significantly overrepresented in patients affected with dilated cardiomyopathy (PMID: 25589632). Truncating variants in this region have also been reported in individuals affected with autosomal recessive centronuclear myopathy (PMID: 23975875). For these reasons, this variant has been classified as Pathogenic.

Ambry Genetics
Classification: Pathogenic for Cardiovascular phenotype. Last evaluated: 2025-03-22. Review status: criteria provided, single submitter. Criteria: Ambry Variant Classification Scheme 2023. Collection method: clinical testing. Allele origin: germline.
Comment: The p.R7630* pathogenic mutation (also known as c.22888C>T), located in coding exon 93 of the TTN gene, results from a C to T substitution at nucleotide position 22888. This changes the amino acid from an arginine to a stop codon within coding exon 93. This exon is located in the A-band region of the N2-B isoform of the titin protein and is constitutively expressed in TTN transcripts (percent spliced in or PSI 100%). This variant (also referred to as NM_133437:c.23464C>T p.R7822X) was reported in individual(s) with features consistent with dilated cardiomyopathy (Haas J et al. Eur Heart J, 2015 May;36:1123-35a; external communication; Ambry internal data). This variant is considered to be rare based on population cohorts in the Genome Aggregation Database (gnomAD). This variant is expected to result in loss of function by premature protein truncation or nonsense-mediated mRNA decay. While truncating variants in TTN are present in 1-3% of the general population, truncating variants in the A-band are the most common cause of dilated cardiomyopathy (Herman DS et al. N. Engl. J. Med., 2012 Feb;366:619-28; Roberts AM et al. Sci Transl Med, 2015 Jan;7:270ra6). TTN truncating variants encoded in constitutive exons (PSI >90%) have been found to be significantly associated with DCM regardless of their position in titin (Schafer S et al. Nat. Genet., 2017 01;49:46-53; Akhtar MM et al. Circ Heart Fail, 2020 Oct;13:e006832; Massier M et al. Clin Genet, 2025 Jan). Based on the supporting evidence, this variant is interpreted as a disease-causing mutation.

Clinical Genetics Laboratory, Skane University Hospital Lund
Classification: Pathogenic. Last evaluated: 2022-05-27. Review status: criteria provided, single submitter. Criteria: ACMG Guidelines, 2015. Collection method: clinical testing. Allele origin: germline. Affected: yes.

CHEO Genetics Diagnostic Laboratory, Children's Hospital of Eastern Ontario
Classification: Pathogenic for Cardiomyopathy. Last evaluated: 2020-01-03. Review status: criteria provided, single submitter. Criteria: ACMG Guidelines, 2015. Collection method: clinical testing. Allele origin: germline.

Blueprint Genetics
Classification: Pathogenic for TTN-related disorders. Last evaluated: 2019-06-28. Review status: criteria provided, single submitter. Criteria: ACMG Guidelines, 2015. Collection method: clinical testing. Allele origin: germline. Affected: yes. Observed: 1 variant allele.

Centre for Mendelian Genomics, University Medical Centre Ljubljana
Classification: Pathogenic for Tibial muscular dystrophy. Last evaluated: 2019-05-21. Review status: criteria provided, single submitter. Criteria: ACMG Guidelines, 2015. Collection method: clinical testing. Allele origin: unknown. Affected: yes.
Comment: This variant was classified as: Pathogenic. The following ACMG criteria were applied in classifying this variant: PVS1,PM2,PP4,PP5.

GeneDx
Classification: Pathogenic. Last evaluated: 2015-11-03. Review status: criteria provided, single submitter. Criteria: GeneDx Variant Classification (06012015). Collection method: clinical testing. Allele origin: germline. Affected: yes.
Comment: The Arg15054Stop variant in the TTN gene has not been reported previously as a disease-causing mutation nor as a benign polymorphism, to our knowledge. Arg15054Stop is predicted to cause loss of normal protein function either due to production of an abnormal, prematurely truncated protein, or by absence of protein product due to nonsense mediated mRNA decay. Arg15054Stop is located in the A-band region of titin, where the majority of truncating mutations associated with DCM have been reported (Herman D et al., 2012).

Hadassah Hebrew University Medical Center
Classification: Pathogenic for Dilated cardiomyopathy 1G. Review status: criteria provided, single submitter. Criteria: ACMG Guidelines, 2015. Collection method: research. Allele origin: germline. Affected: no. Observed: 1 variant allele.

Clinical Genetics, Academic Medical Center
Classification: Likely pathogenic. Review status: no assertion criteria provided. Collection method: clinical testing. Allele origin: germline. Affected: yes. Study: VKGL Data-share Consensus. Not counted in ClinVar's aggregate classification.

Diagnostic Laboratory, Department of Genetics, University Medical Center Groningen
Classification: Likely pathogenic. Review status: no assertion criteria provided. Collection method: clinical testing. Allele origin: germline. Affected: yes. Study: VKGL Data-share Consensus. Not counted in ClinVar's aggregate classification.

Literature cited by the submitters: PubMed 25163546 (cited by Labcorp Genetics (formerly Invitae), Labcorp and Ambry Genetics); PubMed 25589632 (cited by Labcorp Genetics (formerly Invitae), Labcorp); PubMed 23975875 (cited by Labcorp Genetics (formerly Invitae), Labcorp); PubMed 30847666 (cited by Ambry Genetics).